The following is an entry in ClinVar:

NM_004985.5(KRAS):c.211T>G (p.Tyr71Asp)

Gene: KRAS (KRas proto-oncogene, GTPase; minus strand). Cytogenetic location: 12p12.1.
Variant type: single nucleotide variant.
Coding change: c.211T>G on transcript NM_004985.5 (MANE Select); coding-DNA position 211, T replaced by G.
Protein change: p.Tyr71Asp; replaces tyrosine 71 with aspartic acid.
Molecular consequence: missense variant.
Genome position (GRCh38, 1-based): chr12:25,227,313, A>C on the plus strand (T>G on the coding strand, the complement: KRAS is on the minus strand). VCF-style: chr12-25227313-A-C. GRCh37 (hg19) VCF-style: chr12-25380247-A-C.
Other names: c.211T>G, p.Tyr71Asp (NM_001369786.1, NM_001369787.1, NM_033360.4); short protein forms Y71D.
Identifiers: ClinVar variation 228267 (VCV000228267.10), dbSNP rs387907205, ClinGen allele CA10576919.
Genomic context (GRCh38, chr12:25,227,313, plus strand): 5'-CAAATGATTTAGTATTATTTATGGCAAATACACAAAGAAAGCCCTCCCCAGTCCTCATGT[A>C]CTGGTCCCTCATTGCACTGTACTCCTCTTGACCTGCTGTGTCGAGAATATCCAAGAGACA-3'
Protein context (NP_004976.2, residues 61-81): QEEYSAMRDQ[Tyr71Asp]MRTGEGFLCV

ClinVar aggregate classification (germline): Likely pathogenic. Review status: criteria provided, multiple submitters, no conflicts (2 of 4 stars). 3 submissions from 3 submitters: Likely pathogenic (3). Last evaluated 2022-03-07.

Conditions:
Cardio-facio-cutaneous syndrome. Also called: Cardiofaciocutaneous syndrome; CFC syndrome. Identifiers: Orphanet 1340, MedGen C1275081, MONDO:0015280. Disease mechanism: gain of function.

Submissions (3):

GeneDx
Classification: Likely pathogenic. Last evaluated: 2022-03-07. Review status: criteria provided, single submitter. Criteria: GeneDx Variant Classification Process June 2021. Collection method: clinical testing. Allele origin: germline. Affected: yes.
Comment: Missense variants in this gene are often considered pathogenic (HGMD); Not observed at significant frequency in large population cohorts (gnomAD); In silico analysis supports that this missense variant has a deleterious effect on protein structure/function; This variant is associated with the following publications: (PMID: 23059812, 21797849, 31117243, 27174785, 20186801, 33790768)

Eurofins Ntd Llc (ga)
Classification: Likely pathogenic. Last evaluated: 2016-10-26. Review status: criteria provided, single submitter. Criteria: EGL Classification Definitions 2015. Collection method: clinical testing. Allele origin: germline. Observed: 1 variant allele, 1 heterozygote.

Laboratory for Molecular Medicine, Mass General Brigham Personalized Medicine
Classification: Likely pathogenic for Cardio-facio-cutaneous syndrome. Last evaluated: 2016-03-25. Review status: criteria provided, single submitter. Criteria: LMM Criteria. Collection method: clinical testing. Allele origin: germline. Observed: 1 variant allele.
Comment: In vitro functional studies suggest an impact to the protein (Cirstea 2013). However, these types of assays may not accurately represent biological function. Computational prediction tool s and conservation analysis suggest that the p.Tyr71Asp variant may impact the p rotein, though this information is not predictive enough to determine pathogenic ity. In summary, due to the de novo occurrence the p.Tyr71Asp variant is likely to be pathogenic.

Literature cited by the submitters: PubMed 20186801 (cited by Eurofins Ntd Llc (ga)); PubMed 21797849 (cited by Laboratory for Molecular Medicine, Mass General Brigham Personalized Medicine); PubMed 23059812 (cited by Laboratory for Molecular Medicine, Mass General Brigham Personalized Medicine).